The following is an entry in ClinVar:

NM_001165963.4(SCN1A):c.4002+2458C>T

Genes: SCN1A (sodium voltage-gated channel alpha subunit 1; minus strand), LOC102724058 (uncharacterized LOC102724058; plus strand). Cytogenetic location: 2q24.3.
Variant type: single nucleotide variant.
Coding change: c.4002+2458C>T on transcript NM_001165963.4 (MANE Select); 2458 bases into the intron after coding-DNA position 4002, C replaced by T.
Molecular consequence: intron variant. On other transcripts: non-coding transcript variant (1).
Genome position (GRCh38, 1-based): chr2:166,007,261, G>A on the plus strand (C>T on the coding strand, the complement: SCN1A is on the minus strand). VCF-style: chr2-166007261-G-A. GRCh37 (hg19) VCF-style: chr2-166863771-G-A.
Other names: c.3969+2458C>T (NM_001353949.2, NM_001353950.2, NM_001353951.2 and 2 more transcripts); c.3918+2458C>T (NM_001353958.2, NM_001353957.2, NM_001165964.3); c.4002+2458C>T (NM_001202435.3, NM_001353948.2); c.3966+2458C>T (NM_001353955.2, NM_001353954.2); c.3915+2458C>T (NM_001353960.2); c.1560+2458C>T (NM_001353961.2).
Identifiers: ClinVar variation 1578926 (VCV001578926.9), dbSNP rs2105547203, ClinGen allele CA2573133058.

ClinVar aggregate classification (germline): Uncertain significance (1 of 4 stars; one submission).

Conditions:
Early-infantile DEE. Also called: Early infantile epileptic encephalopathy; Ohtahara syndrome; Early infantile epileptic encephalopathy with suppression bursts. Identifiers: Orphanet 1934, MedGen C0393706, MONDO:0800491.

Submission:

Labcorp Genetics (formerly Invitae), Labcorp
Classification: Uncertain significance for Early-infantile DEE. Last evaluated: 2025-03-09. Review status: criteria provided, single submitter. Criteria: Invitae Variant Classification Sherloc (09022015). Collection method: clinical testing. Allele origin: germline.
Comment: This sequence change falls in intron 20 of the SCN1A gene. It does not directly change the encoded amino acid sequence of the SCN1A protein. However, this sequence change falls within a region encompassing a cryptic exon in the SCN1A gene, in which variants have been shown to alter splicing (PMID: 30526861, 34107977). This variant is not present in population databases (gnomAD no frequency). This variant has been observed in individual(s) with clinical features of generalized epilepsy with febrile seizures plus (internal data). ClinVar contains an entry for this variant (Variation ID: 1578926). Algorithms developed to predict the effect of sequence changes on RNA splicing suggest that this variant is not likely to affect RNA splicing. In summary, the available evidence is currently insufficient to determine the role of this variant in disease. Therefore, it has been classified as a Variant of Uncertain Significance.

Literature cited by the submitters: PubMed 30526861; PubMed 34107977.